The following is an entry in ClinVar:

ClinVar aggregate classification (germline): Uncertain significance. Review status: criteria provided, multiple submitters, no conflicts (2 of 4 stars). 3 submissions from 3 submitters: Uncertain significance (3). Last evaluated 2025-11-19.

Conditions:
Inborn genetic diseases. Identifiers: MedGen C0950123, MeSH D030342.

Allele frequency attached by ClinVar (database versions not stated): gnomAD 0.00001; TOPMed 0.00001; ExAC 0.00003.
gnomAD v4.1: 22 of 1,606,790 alleles (0.0014%); highest among the groups gnomAD compares: Admixed American, 0.0017%; no homozygotes.

Submissions (3):

Labcorp Genetics (formerly Invitae), Labcorp
Classification: Uncertain significance. Last evaluated: 2025-11-19. Review status: criteria provided, single submitter. Criteria: Invitae Variant Classification Sherloc (09022015). Collection method: clinical testing. Allele origin: germline.
Comment: This sequence change replaces glutamic acid, which is acidic and polar, with lysine, which is basic and polar, at codon 1233 of the RERE protein (p.Glu1233Lys). This variant is present in population databases (rs766806549, gnomAD 0.003%). This variant has not been reported in the literature in individuals affected with RERE-related conditions. ClinVar contains an entry for this variant (Variation ID: 1959647). Invitae Evidence Modeling of protein sequence and biophysical properties (such as structural, functional, and spatial information, amino acid conservation, physicochemical variation, residue mobility, and thermodynamic stability) has been performed for this missense variant. However, the output from this modeling did not meet the statistical confidence thresholds required to predict the impact of this variant on RERE protein function. In summary, the available evidence is currently insufficient to determine the role of this variant in disease. Therefore, it has been classified as a Variant of Uncertain Significance.

Ambry Genetics
Classification: Uncertain significance for Inborn genetic diseases. Last evaluated: 2025-05-18. Review status: criteria provided, single submitter. Criteria: Ambry Variant Classification Scheme 2023. Collection method: clinical testing. Allele origin: germline.

GeneDx
Classification: Uncertain significance. Last evaluated: 2023-03-26. Review status: criteria provided, single submitter. Criteria: GeneDx Variant Classification Process June 2021. Collection method: clinical testing. Allele origin: germline. Affected: yes.
Comment: In silico analysis supports that this missense variant has a deleterious effect on protein structure/function; Has not been previously published as pathogenic or benign to our knowledge

NM_001042681.2(RERE):c.3697G>A (p.Glu1233Lys)

Gene: RERE (arginine-glutamic acid dipeptide repeats; minus strand). Cytogenetic location: 1p36.23.
Variant type: single nucleotide variant.
Coding change: c.3697G>A on transcript NM_001042681.2 (MANE Select); coding-DNA position 3697, G replaced by A.
Protein change: p.Glu1233Lys; replaces glutamic acid 1233 with lysine.
Molecular consequence: missense variant.
Genome position (GRCh38, 1-based): chr1:8,358,838, C>T on the plus strand (G>A on the coding strand, the complement: RERE is on the minus strand). VCF-style: chr1-8358838-C-T. GRCh37 (hg19) VCF-style: chr1-8418898-C-T.
Other names: c.2035G>A, p.Glu679Lys (NM_001042682.2); c.3697G>A, p.Glu1233Lys (NM_012102.4); c.3697G>A (NM_012102.3); short protein forms E1233K, E679K.
Identifiers: ClinVar variation 1959647 (VCV001959647.7), dbSNP rs766806549, ClinGen allele CA571008.